The following is an entry in ClinVar:

NM_005251.3(FOXC2):c.529_531del (p.Lys177del)

Gene: FOXC2 (forkhead box C2; plus strand). Cytogenetic location: 16q24.1.
Variant type: Deletion.
Coding change: c.529_531del on transcript NM_005251.3 (MANE Select); coding-DNA positions 529 to 531, 3 bases deleted (AAG; older notation c.529_531delAAG).
Protein change: p.Lys177del; deletes lysine 177.
Molecular consequence: inframe deletion.
Genome position (GRCh38, 1-based): chr16:86,567,864-86,567,866, AAG deleted; deleting any 3 consecutive bases within chr16:86,567,862-86,567,866 gives the same sequence; the c. name uses the placement nearest the transcript's 3' end. VCF-style (leftmost placement, unchanged base first): chr16-86567861-GAGA-G. GRCh37 (hg19) VCF-style: chr16-86601467-GAGA-G.
Other names: short protein forms K177del.
Identifiers: ClinVar variation 2580215 (VCV002580215.1), dbSNP rs951933870, ClinGen allele CA285807905.

ClinVar aggregate classification (germline): Uncertain significance (1 of 4 stars; one submission).

Conditions:
Distichiasis-lymphedema syndrome. Also called: LYMPHEDEMA WITH DISTICHIASIS. Identifiers: Orphanet 33001, MedGen C0265345, MONDO:0007922, OMIM 153400.

Submission:

Illumina Laboratory Services, Illumina
Classification: Uncertain significance for Distichiasis-lymphedema syndrome. Last evaluated: 2023-02-22. Review status: criteria provided, single submitter. Criteria: ICSLVariantClassificationCriteria RUGD 01 April 2020. Collection method: clinical testing. Allele origin: unknown.
Comment: The FOXC2 c.529_531del (p.Lys177del) variant results in the deletion of three nucleotides at position c. 529_531, resulting in an inframe deletion. To our knowledge, this variant has not been reported in the peer-reviewed literature. This variant is reported in the Genome Aggregation Database in three alleles at a frequency of 0.000020 in the total population (version 3.1.2). Based on the available evidence, the c.529_531del (p.Lys177del) variant is classified as a variant of uncertain significance for lymphedema-distichiasis syndrome.